The following is an entry in ClinVar:

ClinVar aggregate classification (germline): Uncertain significance. Review status: criteria provided, multiple submitters, no conflicts (2 of 4 stars). 2 submissions from 2 submitters: Uncertain significance (2). Last evaluated 2025-02-19.

Allele frequency attached by ClinVar (database versions not stated): gnomAD 0.00006; TOPMed 0.00006; gnomAD exomes 0.00008 and 0.00016; ExAC 0.00014.
gnomAD v4.1: 235 of 1,595,718 alleles (0.015%); highest among the groups gnomAD compares: Non-Finnish European, 0.019%; no homozygotes.

Submissions (2):

Ambry Genetics
Classification: Uncertain significance. Last evaluated: 2025-02-19. Review status: criteria provided, single submitter. Criteria: Ambry Variant Classification Scheme 2023. Collection method: clinical testing. Allele origin: germline.

Labcorp Genetics (formerly Invitae), Labcorp
Classification: Uncertain significance. Last evaluated: 2022-09-12. Review status: criteria provided, single submitter. Criteria: Invitae Variant Classification Sherloc (09022015). Collection method: clinical testing. Allele origin: germline.
Comment: This sequence change replaces glutamic acid, which is acidic and polar, with glycine, which is neutral and non-polar, at codon 79 of the KIZ protein (p.Glu79Gly). This variant is present in population databases (rs749025675, gnomAD 0.02%). This variant has not been reported in the literature in individuals affected with KIZ-related conditions. ClinVar contains an entry for this variant (Variation ID: 935766). Algorithms developed to predict the effect of missense changes on protein structure and function output the following: SIFT: "Not Available"; PolyPhen-2: "Not Available"; Align-GVGD: "Not Available". The glycine amino acid residue is found in multiple mammalian species, which suggests that this missense change does not adversely affect protein function. In summary, the available evidence is currently insufficient to determine the role of this variant in disease. Therefore, it has been classified as a Variant of Uncertain Significance.

NM_018474.6(KIZ):c.236A>G (p.Glu79Gly)

Genes: KIZ (kizuna centrosomal protein; plus strand), LOC130065509 (ATAC-STARR-seq lymphoblastoid active region 17619; plus strand). Cytogenetic location: 20p11.23.
Variant type: single nucleotide variant.
Coding change: c.236A>G on transcript NM_018474.6 (MANE Select); coding-DNA position 236, A replaced by G.
Protein change: p.Glu79Gly; replaces glutamic acid 79 with glycine.
Molecular consequence: missense variant. On other transcripts: 5 prime UTR variant (1), intron variant (4).
Genome position (GRCh38, 1-based): chr20:21,136,473, A>G. VCF-style: chr20-21136473-A-G. GRCh37 (hg19) VCF-style: chr20-21117114-A-G.
Other names: c.236A>G, p.Glu79Gly (NM_001352434.2); c.-151A>G (NM_001352436.2); c.169-9092A>G (NM_001276389.2); c.6+4314A>G (NM_001163022.3, NM_001352435.2, NM_001163023.3); short protein forms E79G.
Identifiers: ClinVar variation 935766 (VCV000935766.8), dbSNP rs749025675, ClinGen allele CA9784601.